The following is an entry in ClinVar:

ClinVar aggregate classification (germline): Uncertain significance (1 of 4 stars; one submission).

Conditions:
Inborn genetic diseases. Identifiers: MedGen C0950123, MeSH D030342.

Submission:

Ambry Genetics
Classification: Uncertain significance for Inborn genetic diseases. Last evaluated: 2022-05-09. Review status: criteria provided, single submitter. Criteria: Ambry Variant Classification Scheme 2023. Collection method: clinical testing. Allele origin: germline.
Comment: The p.N288T variant (also known as c.863A>C), located in coding exon 7 of the EPAS1 gene, results from an A to C substitution at nucleotide position 863. The asparagine at codon 288 is replaced by threonine, an amino acid with similar properties. This amino acid position is conserved. In addition, this alteration is predicted to be tolerated by in silico analysis. Since supporting evidence is limited at this time, the clinical significance of this alteration remains unclear.

NM_001430.5(EPAS1):c.863A>C (p.Asn288Thr)

Gene: EPAS1 (endothelial PAS domain protein 1; plus strand). Cytogenetic location: 2p21.
Variant type: single nucleotide variant.
Coding change: c.863A>C on transcript NM_001430.5 (MANE Select); coding-DNA position 863, A replaced by C.
Protein change: p.Asn288Thr; replaces asparagine 288 with threonine.
Molecular consequence: missense variant.
Genome position (GRCh38, 1-based): chr2:46,369,910, A>C. VCF-style: chr2-46369910-A-C. GRCh37 (hg19) VCF-style: chr2-46597049-A-C.
Other names: short protein forms N288T.
Identifiers: ClinVar variation 1764123 (VCV001764123.2), dbSNP rs2546464317, ClinGen allele CA346701827.